The following is an entry in ClinVar:

NM_130839.5(UBE3A):c.1920dup (p.Lys641fs)

Genes: SNHG14 (small nucleolar RNA host gene 14; plus strand), UBE3A (ubiquitin protein ligase E3A; minus strand). Cytogenetic location: 15q11.2.
Variant type: Duplication.
Coding change: c.1920dup on transcript NM_130839.5 (MANE Select); coding-DNA position 1920, one base duplicated (G; older notation c.1920dupG).
Protein change: p.Lys641fs; shifts the reading frame from lysine 641.
Molecular consequence: frameshift variant. On other transcripts: non-coding transcript variant (1).
Genome position (GRCh38, 1-based): chr15:25,356,730, C duplicated on the plus strand (G on the coding strand, the reverse complement: UBE3A is on the minus strand); the first of 4 consecutive C bases (chr15:25,356,730-25,356,733); duplicating any one gives the same sequence. VCF-style (leftmost placement, unchanged base first): chr15-25356729-T-TC. GRCh37 (hg19) VCF-style: chr15-25601876-T-TC.
Other names: c.1929dup, p.Lys644fs (NM_000462.5); c.1920dup, p.Lys641fs (NM_001354505.1, NM_001354538.2, NM_001354545.2); c.1860dup, p.Lys621fs (NM_001354506.2, NM_001354507.2, NM_001354508.2 and 17 more transcripts); c.669dup, p.Lys224fs (NM_001354550.2); c.609dup, p.Lys204fs (NM_001354551.2); c.1743dup, p.Lys582fs (NM_001354546.2); short protein forms K641fs, K224fs, K582fs, K644fs, K204fs, K621fs.
Identifiers: ClinVar variation 2839261 (VCV002839261.3), dbSNP rs2552187375, ClinGen allele CA2739279611.

ClinVar aggregate classification (germline): Pathogenic (1 of 4 stars; one submission).

Conditions:
Angelman syndrome (AS). Also called: HAPPY PUPPET SYNDROME. Identifiers: Orphanet 72, MedGen C0162635, MONDO:0007113, OMIM 105830. Disease mechanism: loss of function. Inheritance: AS is caused by disruption of maternally imprinted UBE3A located within the 15q11.2-q13 Angelman syndrome/Prader-Willi syndrome (AS/PWS) region., imprinting disorder.

Submission:

Labcorp Genetics (formerly Invitae), Labcorp
Classification: Pathogenic for Angelman syndrome. Last evaluated: 2023-02-20. Review status: criteria provided, single submitter. Criteria: Invitae Variant Classification Sherloc (09022015). Collection method: clinical testing. Allele origin: germline.
Comment: This sequence change creates a premature translational stop signal (p.Lys621Glufs*7) in the UBE3A gene. It is expected to result in an absent or disrupted protein product. Loss-of-function variants in UBE3A are known to be pathogenic (PMID: 25212744). This variant is not present in population databases (gnomAD no frequency). This variant has not been reported in the literature in individuals affected with UBE3A-related conditions. For these reasons, this variant has been classified as Pathogenic.

Literature cited by the submitters: PubMed 25212744.